The following is an entry in ClinVar:

NM_018127.7(ELAC2):c.689A>G (p.Gln230Arg)

Gene: ELAC2 (elaC ribonuclease Z 2; minus strand). Cytogenetic location: 17p12.
Variant type: single nucleotide variant.
Coding change: c.689A>G on transcript NM_018127.7 (MANE Select); coding-DNA position 689, A replaced by G.
Protein change: p.Gln230Arg; replaces glutamine 230 with arginine.
Molecular consequence: missense variant.
Genome position (GRCh38, 1-based): chr17:13,010,662, T>C on the plus strand (A>G on the coding strand, the complement: ELAC2 is on the minus strand). VCF-style: chr17-13010662-T-C. GRCh37 (hg19) VCF-style: chr17-12913979-T-C.
Other names: c.569A>G, p.Gln190Arg (NM_001165962.2); c.689A>G, p.Gln230Arg (NM_173717.2); short protein forms Q230R, Q190R.
Identifiers: ClinVar variation 2151573 (VCV002151573.3), dbSNP rs749370984, ClinGen allele CA8401546.
Genomic context (GRCh38, chr17:13,010,662, plus strand): 5'-GTCTTCCTTACCTTACAGATGAAAGCTACGACCAGGGAAGAGTCCCTGACCCCTCTTCTC[T>C]GGCTAACACCTGAGGAAAAACACACTTGATTATCACAAGGTAAATGTGAAAGCTGTGAAG-3'
Protein context (NP_060597.4, residues 220-240): NEPHLPHGVS[Gln230Arg]RRGVRDSSLV

ClinVar aggregate classification (germline): Uncertain significance (1 of 4 stars; one submission).

Conditions:
Combined oxidative phosphorylation defect type 17. Also called: Combined oxidative phosphorylation deficiency 17. Identifiers: Orphanet 369913, MedGen C3809526, MONDO:0014190, OMIM 615440.

Allele frequency attached by ClinVar (database versions not stated): gnomAD exomes 0.00001; ExAC 0.00002.
gnomAD v4.1: 9 of 1,614,122 alleles (0.00056%); highest among the groups gnomAD compares: South Asian, 0.0011%; no homozygotes.

Submission:

Labcorp Genetics (formerly Invitae), Labcorp
Classification: Uncertain significance for Combined oxidative phosphorylation defect type 17. Last evaluated: 2024-09-23. Review status: criteria provided, single submitter. Criteria: Invitae Variant Classification Sherloc (09022015). Collection method: clinical testing. Allele origin: germline.
Comment: This sequence change replaces glutamine, which is neutral and polar, with arginine, which is basic and polar, at codon 230 of the ELAC2 protein (p.Gln230Arg). This variant is present in population databases (rs749370984, gnomAD 0.003%). This variant has not been reported in the literature in individuals affected with ELAC2-related conditions. ClinVar contains an entry for this variant (Variation ID: 2151573). An algorithm developed to predict the effect of missense changes on protein structure and function outputs the following: PolyPhen-2: "Benign". The arginine amino acid residue is found in multiple mammalian species, which suggests that this missense change does not adversely affect protein function. In summary, the available evidence is currently insufficient to determine the role of this variant in disease. Therefore, it has been classified as a Variant of Uncertain Significance.